The following is an entry in ClinVar:

ClinVar aggregate classification (germline): Conflicting classifications of pathogenicity. Review status: criteria provided, conflicting classifications (1 of 4 stars). 4 submissions from 4 submitters: Uncertain significance (3); Likely benign (1). Last evaluated 2023-02-14.

Conditions:
Schimke immuno-osseous dysplasia (SIOD). Also called: Schimke Immunoosseous Dysplasia. Identifiers: Orphanet 1830, MedGen C0877024, MONDO:0009458, OMIM 242900.

Allele frequency attached by ClinVar (database versions not stated): gnomAD 0.00003; gnomAD exomes 0.00003 and 0.00006; TOPMed 0.00003; ESP Exome Variant Server 0.00008; ExAC 0.00009.

Submissions (6):

Blueprint Genetics
Classification: Likely benign. Last evaluated: 2023-02-14. Review status: criteria provided, single submitter. Criteria: ACMG Guidelines, 2015. Collection method: clinical testing. Allele origin: germline.

Labcorp Genetics (formerly Invitae), Labcorp
Classification: Uncertain significance for Schimke immuno-osseous dysplasia. Last evaluated: 2022-03-12. Review status: criteria provided, single submitter. Criteria: Invitae Variant Classification Sherloc (09022015). Collection method: clinical testing. Allele origin: germline.
Comment: This sequence change replaces arginine, which is basic and polar, with glutamine, which is neutral and polar, at codon 499 of the SMARCAL1 protein (p.Arg499Gln). This variant is present in population databases (rs145264115, gnomAD 0.01%). This variant has not been reported in the literature in individuals affected with SMARCAL1-related conditions. ClinVar contains an entry for this variant (Variation ID: 498498). Algorithms developed to predict the effect of missense changes on protein structure and function output the following: SIFT: "Tolerated"; PolyPhen-2: "Benign"; Align-GVGD: "Class C0". The glutamine amino acid residue is found in multiple mammalian species, which suggests that this missense change does not adversely affect protein function. Algorithms developed to predict the effect of sequence changes on RNA splicing suggest that this variant may create or strengthen a splice site. In summary, the available evidence is currently insufficient to determine the role of this variant in disease. Therefore, it has been classified as a Variant of Uncertain Significance.

Fulgent Genetics
Classification: Uncertain significance for Schimke immuno-osseous dysplasia. Last evaluated: 2021-12-09. Review status: criteria provided, single submitter. Criteria: ACMG Guidelines, 2015. Collection method: clinical testing. Allele origin: unknown.

Eurofins Ntd Llc (ga)
Classification: Uncertain significance. Last evaluated: 2016-12-13. Review status: criteria provided, single submitter. Criteria: EGL Classification Definitions 2015. Collection method: clinical testing. Allele origin: germline. Observed: 1 variant allele, 1 heterozygote.

Dr. Peter K. Rogan Lab, Western University
No classification provided (evidence only). Condition: Melanoma. Review status: no classification provided. Collection method: in vitro. Allele origin: not applicable. Functional consequence: retained intron. Not counted in ClinVar's aggregate classification.

Dr. Peter K. Rogan Lab, Western University
No classification provided (evidence only). Condition: Familial cancer of breast. Review status: no classification provided. Collection method: in vitro. Allele origin: not applicable. Functional consequence: retained intron. Not counted in ClinVar's aggregate classification.

NM_014140.4(SMARCAL1):c.1496G>A (p.Arg499Gln)

Gene: SMARCAL1 (SNF2 related chromatin remodeling annealing helicase 1; plus strand). Cytogenetic location: 2q35.
Variant type: single nucleotide variant.
Coding change: c.1496G>A on transcript NM_014140.4 (MANE Select); coding-DNA position 1496, G replaced by A.
Protein change: p.Arg499Gln; replaces arginine 499 with glutamine.
Molecular consequence: missense variant.
Genome position (GRCh38, 1-based): chr2:216,435,348, G>A. VCF-style: chr2-216435348-G-A. GRCh37 (hg19) VCF-style: chr2-217300071-G-A.
Other names: c.1496G>A, p.Arg499Gln (NM_001127207.2); short protein forms R499Q.
Identifiers: ClinVar variation 498498 (VCV000498498.12), dbSNP rs145264115, ClinGen allele CA2097909.
Genomic context (GRCh38, chr2:216,435,348, plus strand): 5'-CTGCTGTGCTGGGTGGTCATTGTAGCTTTGTTCCCTCCTGTCATCCACAGGCCTTCCTTC[G>A]GTGGCTGCCATCTCTGAGCCCAGATTGCATCAACGTCGTGGTGACTGGGAAGGACCGCCT-3'
Protein context (NP_054859.2, residues 489-509): VRFTWEQAFL[Arg499Gln]WLPSLSPDCI